The following is an entry in ClinVar:

ClinVar aggregate classification (germline): Benign. Review status: criteria provided, multiple submitters, no conflicts (2 of 4 stars). 7 submissions from 7 submitters: Benign (6). 1 of the submissions does not count toward it. Last evaluated 2026-02-04.

Conditions:
Retinitis pigmentosa 25 (RP25). Identifiers: Orphanet 791, MedGen C1864446, MONDO:0011272, OMIM 602772.
Retinitis pigmentosa (RP). Identifiers: Orphanet 791, MedGen C0035334, MeSH D012174, MONDO:0019200, OMIM 268000. Inheritance: Autosomal dominant, autosomal recessive and X linked inheritance.

Allele frequency attached by ClinVar (database versions not stated): ESP Exome Variant Server 0.18064; TOPMed 0.18963; 1000 Genomes Project 30x 0.19144; gnomAD 0.19475 and 0.19548; 1000 Genomes Project 0.19549; ExAC 0.20324; gnomAD exomes 0.22519 and 0.23141.
gnomAD v4.1: 344,729 of 1,512,526 alleles (23%); highest among the groups gnomAD compares: East Asian, 32%; 41,011 homozygotes.

Submissions (7):

Labcorp Genetics (formerly Invitae), Labcorp
Classification: Benign. Last evaluated: 2026-02-04. Review status: criteria provided, single submitter. Criteria: Invitae Variant Classification Sherloc (09022015). Collection method: clinical testing. Allele origin: germline.

Blueprint Genetics
Classification: Benign. Last evaluated: 2024-11-27. Review status: criteria provided, single submitter. Criteria: ACMG Guidelines, 2015. Collection method: clinical testing. Allele origin: germline.

Women's Health and Genetics/Laboratory Corporation of America, LabCorp
Classification: Benign. Last evaluated: 2023-04-17. Review status: criteria provided, single submitter. Criteria: LabCorp Variant Classification Summary - May 2015. Collection method: clinical testing. Allele origin: germline.

Genome-Nilou Lab
Classification: Benign for Retinitis pigmentosa 25. Last evaluated: 2021-07-01. Review status: criteria provided, single submitter. Criteria: ACMG Guidelines, 2015. Collection method: clinical testing. Allele origin: germline. Affected: no.

Illumina Laboratory Services, Illumina
Classification: Benign for Retinitis pigmentosa. Last evaluated: 2018-01-12. Review status: criteria provided, single submitter. Criteria: ICSL Variant Classification Criteria 13 December 2019. Collection method: clinical testing. Allele origin: germline.
Comment: This variant was observed in the ICSL laboratory as part of a predisposition screen in an ostensibly healthy population. It had not been previously curated by ICSL or reported in the Human Gene Mutation Database (HGMD: prior to June 1st, 2018), and was therefore a candidate for classification through an automated scoring system. Utilizing variant allele frequency, disease prevalence and penetrance estimates, and inheritance mode, an automated score was calculated to assess if this variant is too frequent to cause the disease. Based on the score and internal cut-off values, a variant classified as benign is not then subjected to further curation. The score for this variant resulted in a classification of benign for this disease.

GeneDx
Classification: Benign. Last evaluated: 2015-03-03. Review status: criteria provided, single submitter. Criteria: GeneDx Variant Classification Process June 2021. Collection method: clinical testing. Allele origin: germline. Affected: yes.

Natera, Inc.
Classification: Benign for Retinitis pigmentosa type 25. Last evaluated: 2019-11-20. Review status: no assertion criteria provided. Collection method: clinical testing. Allele origin: germline. Not counted in ClinVar's aggregate classification.

NM_001142800.2(EYS):c.3444-5C>T

Gene: EYS (EGF-like photoreceptor maintenance factor; minus strand). Cytogenetic location: 6q12.
Variant type: single nucleotide variant.
Coding change: c.3444-5C>T on transcript NM_001142800.2 (MANE Select); 5 bases into the intron before coding-DNA position 3444, C replaced by T.
Molecular consequence: intron variant.
Genome position (GRCh38, 1-based): chr6:64,626,250, G>A on the plus strand (C>T on the coding strand, the complement: EYS is on the minus strand). VCF-style: chr6-64626250-G-A. GRCh37 (hg19) VCF-style: chr6-65336143-G-A.
Other names: c.3444-5C>T (NM_001292009.2).
Identifiers: ClinVar variation 357717 (VCV000357717.23), dbSNP rs9445051, ClinGen allele CA3877160.
Genomic context (GRCh38, chr6:64,626,250, plus strand): 5'-AAGAGCATTCATTTATATTAATTTCACAAAATTGACCAGAAAATCCAGGAAGACATCTAA[G>A]GAAAAAAAATGAAAACGATATTTGTATATATTATACACATGAGCACTATCACTTTTCATC-3'